The following is an entry in ClinVar:

NM_001365999.1(SZT2):c.2825G>A (p.Arg942Gln)

Gene: SZT2 (SZT2 subunit of KICSTOR complex; plus strand). Cytogenetic location: 1p34.2.
Variant type: single nucleotide variant.
Coding change: c.2825G>A on transcript NM_001365999.1 (MANE Select); coding-DNA position 2825, G replaced by A.
Protein change: p.Arg942Gln; replaces arginine 942 with glutamine.
Molecular consequence: missense variant.
Genome position (GRCh38, 1-based): chr1:43,425,845, G>A. VCF-style: chr1-43425845-G-A. GRCh37 (hg19) VCF-style: chr1-43891516-G-A.
Other names: c.2825G>A, p.Arg942Gln (NM_015284.4); short protein forms R942Q.
Identifiers: ClinVar variation 589849 (VCV000589849.16), dbSNP rs766765965, ClinGen allele CA808832.

ClinVar aggregate classification (germline): Uncertain significance. Review status: criteria provided, multiple submitters, no conflicts (2 of 4 stars). 5 submissions from 5 submitters: Uncertain significance (5). Last evaluated 2025-04-22.

Conditions:
Seizure. Also called: Seizures. Identifiers: MedGen C0036572, HP:0001250.
Developmental and epileptic encephalopathy, 18 (DEE18). Also called: Early infantile epileptic encephalopathy 18. Identifiers: Orphanet 369894, MedGen C3809624, MONDO:0014201, OMIM 615476.

Allele frequency attached by ClinVar (database versions not stated): ExAC 0.00001; gnomAD exomes 0.00001.
gnomAD v4.1: 7 of 1,613,836 alleles (0.00043%); highest among the groups gnomAD compares: East Asian, 0.0022%; no homozygotes.

Submissions (5):

GeneDx
Classification: Uncertain significance. Last evaluated: 2025-04-22. Review status: criteria provided, single submitter. Criteria: GeneDx Variant Classification Process June 2021. Collection method: clinical testing. Allele origin: germline.
Comment: Not observed at significant frequency in large population cohorts (gnomAD); In silico analysis indicates that this missense variant does not alter protein structure/function; Has not been previously published as pathogenic or benign to our knowledge

Labcorp Genetics (formerly Invitae), Labcorp
Classification: Uncertain significance. Last evaluated: 2023-12-18. Review status: criteria provided, single submitter. Criteria: Invitae Variant Classification Sherloc (09022015). Collection method: clinical testing. Allele origin: germline.
Comment: This sequence change replaces arginine, which is basic and polar, with glutamine, which is neutral and polar, at codon 942 of the SZT2 protein (p.Arg942Gln). This variant is present in population databases (rs766765965, gnomAD 0.01%). This variant has not been reported in the literature in individuals affected with SZT2-related conditions. ClinVar contains an entry for this variant (Variation ID: 589849). Advanced modeling of protein sequence and biophysical properties (such as structural, functional, and spatial information, amino acid conservation, physicochemical variation, residue mobility, and thermodynamic stability) performed at Invitae indicates that this missense variant is not expected to disrupt SZT2 protein function with a negative predictive value of 80%. In summary, the available evidence is currently insufficient to determine the role of this variant in disease. Therefore, it has been classified as a Variant of Uncertain Significance.

Blueprint Genetics
Classification: Uncertain significance. Last evaluated: 2023-07-31. Review status: criteria provided, single submitter. Criteria: ACMG Guidelines, 2015. Collection method: clinical testing. Allele origin: germline.

Genome-Nilou Lab
Classification: Uncertain significance for Developmental and epileptic encephalopathy, 18. Last evaluated: 2023-04-11. Review status: criteria provided, single submitter. Criteria: ACMG Guidelines, 2015. Collection method: clinical testing. Allele origin: germline. Affected: no.

Ambry Genetics
Classification: Uncertain significance for Seizures. Last evaluated: 2016-06-07. Review status: criteria provided, single submitter. Criteria: Ambry Autosomal Dominant and X-Linked criteria (10/2015). Collection method: clinical testing. Allele origin: germline. Observed: 1 variant allele.
Comment: The p.R942Q variant (also known as c.2825G>A), located in coding exon 20 of the SZT2 gene, results from a G to A substitution at nucleotide position 2825. The arginine at codon 942 is replaced by glutamine, an amino acid with highly similar properties. This amino acid position is well conserved in available vertebrate species. In addition, this alteration is predicted to be probably damaging and tolerated by PolyPhen and SIFT in silico analyses, respectively. Since supporting evidence is limited at this time, the clinical significance of this alteration remains unclear.